The following is an entry in ClinVar:

NM_020745.4(AARS2):c.1874G>A (p.Arg625His)

Gene: AARS2 (alanyl-tRNA synthetase 2, mitochondrial; minus strand). Cytogenetic location: 6p21.1.
Variant type: single nucleotide variant.
Coding change: c.1874G>A on transcript NM_020745.4 (MANE Select); coding-DNA position 1874, G replaced by A.
Protein change: p.Arg625His; replaces arginine 625 with histidine.
Molecular consequence: missense variant.
Genome position (GRCh38, 1-based): chr6:44,304,314, C>T on the plus strand (G>A on the coding strand, the complement: AARS2 is on the minus strand). VCF-style: chr6-44304314-C-T. GRCh37 (hg19) VCF-style: chr6-44272051-C-T.
Other names: short protein forms R625H.
Identifiers: ClinVar variation 1207958 (VCV001207958.5), dbSNP rs898375030, ClinGen allele CA138388712.

ClinVar aggregate classification (germline): Likely pathogenic (1 of 4 stars; one submission).

Allele frequency attached by ClinVar (database versions not stated): gnomAD 0.00001; TOPMed 0.00001.

Submission:

GeneDx
Classification: Likely pathogenic. Last evaluated: 2019-09-28. Review status: criteria provided, single submitter. Criteria: GeneDx Variant Classification Process June 2021. Collection method: clinical testing. Allele origin: germline. Affected: yes.
Comment: Not observed at a significant frequency in large population cohorts (Lek et al., 2016); In silico analysis, which includes protein predictors and evolutionary conservation, supports a deleterious effect; Has not been previously published as pathogenic or benign to our knowledge